The following is an entry in ClinVar:

NM_032242.4(PLXNA1):c.5127A>C (p.Ser1709=)

Gene: PLXNA1 (plexin A1; plus strand). Cytogenetic location: 3q21.3.
Variant type: single nucleotide variant.
Coding change: c.5127A>C on transcript NM_032242.4 (MANE Select); coding-DNA position 5127, A replaced by C.
Protein change: p.Ser1709=; no amino-acid change (serine 1709 retained).
Molecular consequence: synonymous variant.
Genome position (GRCh38, 1-based): chr3:127,030,308, A>C. VCF-style: chr3-127030308-A-C. GRCh37 (hg19) VCF-style: chr3-126749151-A-C.
Identifiers: ClinVar variation 3032547 (VCV003032547.2), dbSNP rs373848509, ClinGen allele CA2594624.

ClinVar aggregate classification (germline): Likely benign (0 of 4 stars; one submission).

Conditions:
PLXNA1-related disorder. Also called: PLXNA1-related condition.

Allele frequency attached by ClinVar (database versions not stated): ExAC 0.00002; gnomAD exomes 0.00002; TOPMed 0.00008; ESP Exome Variant Server 0.00015.

Submission:

PreventionGenetics, part of Exact Sciences
Classification: Likely benign for PLXNA1-related condition. Last evaluated: 2022-05-29. Review status: no assertion criteria provided. Collection method: clinical testing. Allele origin: germline.
Comment: This variant is classified as likely benign based on ACMG/AMP sequence variant interpretation guidelines (Richards et al. 2015 PMID: 25741868, with internal and published modifications).